The following is an entry in ClinVar:

ClinVar aggregate classification (germline): Uncertain significance (1 of 4 stars; one submission).

gnomAD v4.1: 1 of 1,601,524 alleles (0.000062%); highest among the groups gnomAD compares: Non-Finnish European, 0.000085%; no homozygotes.

Submission:

GeneDx
Classification: Uncertain significance. Last evaluated: 2026-04-01. Review status: criteria provided, single submitter. Criteria: GeneDx Variant Classification Process June 2021. Collection method: clinical testing. Allele origin: germline.
Comment: Not observed at significant frequency in large population cohorts (gnomAD); In silico analysis supports that this missense variant has a deleterious effect on protein structure/function; Has not been previously published as pathogenic or benign to our knowledge

NM_000836.4(GRIN2D):c.1015G>C (p.Gly339Arg)

Gene: GRIN2D (glutamate ionotropic receptor NMDA type subunit 2D; plus strand). Cytogenetic location: 19q13.33.
Variant type: single nucleotide variant.
Coding change: c.1015G>C on transcript NM_000836.4 (MANE Select); coding-DNA position 1015, G replaced by C.
Protein change: p.Gly339Arg; replaces glycine 339 with arginine.
Molecular consequence: missense variant.
Genome position (GRCh38, 1-based): chr19:48,405,283, G>C. VCF-style: chr19-48405283-G-C. GRCh37 (hg19) VCF-style: chr19-48908540-G-C.
Other names: short protein forms G339R.
Identifiers: ClinVar variation 5017934 (VCV005017934.1).